The following is an entry in ClinVar:

NM_016156.6(MTMR2):c.1810C>T (p.Arg604Ter)

Gene: MTMR2 (myotubularin related protein 2; minus strand). Cytogenetic location: 11q21.
Variant type: single nucleotide variant.
Coding change: c.1810C>T on transcript NM_016156.6 (MANE Select); coding-DNA position 1810, C replaced by T.
Protein change: p.Arg604Ter; replaces arginine 604 with a stop codon.
Molecular consequence: nonsense.
Genome position (GRCh38, 1-based): chr11:95,835,412, G>A on the plus strand (C>T on the coding strand, the complement: MTMR2 is on the minus strand). VCF-style: chr11-95835412-G-A. GRCh37 (hg19) VCF-style: chr11-95568576-G-A.
Other names: c.1594C>T, p.Arg532Ter (NM_001243571.2, NM_201278.3, NM_201281.3); short protein forms R532*, R604*.
Identifiers: ClinVar variation 934680 (VCV000934680.6), dbSNP rs138746296, ClinGen allele CA6239848.
Genomic context (GRCh38, chr11:95,835,412, plus strand): 5'-AGGTTGATCGGTTAGAAATCTCTCTCTGTAGTTCCTCTACTTTTTTCTGAAGCTCTGCTC[G>A]TTTAGCAAGAAGTTCTTTGTATCTGTTGTGAATAGGTTCCTGCAAGAGCAAAACATAAAA-3'

ClinVar aggregate classification (germline): Conflicting classifications of pathogenicity. Review status: criteria provided, conflicting classifications (1 of 4 stars). 2 submissions from 2 submitters: Likely pathogenic (1); Uncertain significance (1). Last evaluated 2023-01-06.

Conditions:
Charcot-Marie-Tooth disease type 4. Also called: Charcot-Marie-Tooth disease, type IV; Charcot-Marie-Tooth, Type 4. Identifiers: Orphanet 64749, MedGen C4082197, MONDO:0018995.
Inborn genetic diseases. Identifiers: MedGen C0950123, MeSH D030342.

gnomAD v4.1: 12 of 1,612,966 alleles (0.00074%); highest among the groups gnomAD compares: Admixed American, 0.0017%; no homozygotes.

Submissions (2):

Ambry Genetics
Classification: Likely pathogenic for Inborn genetic diseases. Last evaluated: 2023-01-06. Review status: criteria provided, single submitter. Criteria: Ambry Variant Classification Scheme 2023. Collection method: clinical testing. Allele origin: germline.
Comment: The c.1810C>T (p.R604*) alteration, located in exon 15 (coding exon 15) of the MTMR2 gene, consists of a C to T substitution at nucleotide position 1810. This changes the amino acid from an arginine (R) to a stop codon at amino acid position 604. This alteration occurs at the 3' terminus of the MTMR2 gene, is not expected to trigger nonsense-mediated mRNA decay, and only impacts the last 6.2% of the protein. However, premature stop codons are typically deleterious in nature and the impacted region is critical for protein function (Ambry internal data). This allele was reported in one heterozygous individual in population-based cohorts in the Genome Aggregation Database (gnomAD). This alteration has been detected in the homozygous state and in conjunction with another alteration in MTMR2 in multiple unrelated individuals with clinical features consistent with MTMR2-related Charcot-Marie-Tooth disease type 4 (Taghizadeh, 2020; Ambry internal data). Based on internal structural analysis, this alteration removes a structurally important region of MTMR2, including a PDZ-binding motif and the majority of a coiled-coil region (Laporte, 2003; Kim, 2003; Bolis, 2005; Bolis, 2009; Lee, 2010; Sheng, 2001; Garner, 2000). Based on the available evidence, this alteration is classified as likely pathogenic.

Labcorp Genetics (formerly Invitae), Labcorp
Classification: Uncertain significance for Charcot-Marie-Tooth disease type 4. Last evaluated: 2022-09-13. Review status: criteria provided, single submitter. Criteria: Invitae Variant Classification Sherloc (09022015). Collection method: clinical testing. Allele origin: germline.
Comment: This sequence change creates a premature translational stop signal (p.Arg604*) in the MTMR2 gene. While this is not anticipated to result in nonsense mediated decay, it is expected to disrupt the last 40 amino acid(s) of the MTMR2 protein. This variant is present in population databases (rs138746296, gnomAD 0.003%). This variant has not been reported in the literature in individuals affected with MTMR2-related conditions. ClinVar contains an entry for this variant (Variation ID: 934680). In summary, the available evidence is currently insufficient to determine the role of this variant in disease. Therefore, it has been classified as a Variant of Uncertain Significance.

Literature cited by the submitters: PubMed 10856930 (cited by Ambry Genetics); PubMed 11283303 (cited by Ambry Genetics); PubMed 12668758 (cited by Ambry Genetics); PubMed 12925573 (cited by Ambry Genetics); PubMed 16162938 (cited by Ambry Genetics); PubMed 19587293 (cited by Ambry Genetics); PubMed 20410104 (cited by Ambry Genetics); PubMed 32657593 (cited by Ambry Genetics).